The following is an entry in ClinVar:

ClinVar aggregate classification (germline): Uncertain significance (1 of 4 stars; one submission).

Conditions:
Familial juvenile hyperuricemic nephropathy type 2 (ADTKD4). Also called: EARLY-ONSET HYPERURICEMIA, ANEMIA, AND PROGRESSIVE KIDNEY FAILURE; Autosomal Dominant Tubulointerstitial Kidney Disease – REN. Identifiers: Orphanet 217330, MedGen C2751310, MONDO:0013128, OMIM 613092.

Submission:

MVZ Medizinische Genetik Mainz
Classification: Uncertain significance for Familial juvenile hyperuricemic nephropathy type 2. Last evaluated: 2022-12-07. Review status: criteria provided, single submitter. Criteria: UK Practice Guidelines For Variant Classification V4 01 2020. Collection method: clinical testing. Allele origin: germline. Inheritance: Autosomal dominant inheritance. Affected: yes. Observed: 1 variant allele.
Comment: ACMG Criteria: PM1, PM5, PM2_SUP (ACMG Version 3)

NM_000537.4(REN):c.35T>G (p.Leu12Arg)

Genes: REN (renin; minus strand), LOC107548112 (REN promoter and enhancer region; plus strand). Cytogenetic location: 1q32.1.
Variant type: single nucleotide variant.
Coding change: c.35T>G on transcript NM_000537.4 (MANE Select); coding-DNA position 35, T replaced by G.
Protein change: p.Leu12Arg; replaces leucine 12 with arginine.
Molecular consequence: missense variant.
Genome position (GRCh38, 1-based): chr1:204,166,259, A>C on the plus strand (T>G on the coding strand, the complement: REN is on the minus strand). VCF-style: chr1-204166259-A-C. GRCh37 (hg19) VCF-style: chr1-204135387-A-C.
Other names: short protein forms L12R.
Identifiers: ClinVar variation 3066103 (VCV003066103.1), dbSNP rs2527501173, ClinGen allele CA344343057.
Genomic context (GRCh38, chr1:204,166,259, plus strand): 5'-TTAAAGGTGGTGGTGTCTGTCGGGAGACCAAAGGTACAGGAGCCCCAGAGCAGCAGCAGC[A>C]GTCCCCAGCGAGGCATCCTTCTCCATCCATCCATGCTTCCCTCAGTCTGGGGCTCTCTCT-3'
Protein context (NP_000528.1, residues 2-22): DGWRRMPRWG[Leu12Arg]LLLLWGSCTF